The following is an entry in ClinVar:

ClinVar aggregate classification (germline): Likely benign. Review status: criteria provided, multiple submitters, no conflicts (2 of 4 stars). 2 submissions from 2 submitters: Likely benign (2). Last evaluated 2025-12-22.

Conditions:
MYO5B-related disorder. Also called: MYO5B-related condition.

gnomAD v4.1: 4 of 1,613,936 alleles (0.00025%); highest among the groups gnomAD compares: Non-Finnish European, 0.00034%; no homozygotes.

Submissions (2):

Labcorp Genetics (formerly Invitae), Labcorp
Classification: Likely benign. Last evaluated: 2025-12-22. Review status: criteria provided, single submitter. Criteria: Invitae Variant Classification Sherloc (09022015). Collection method: clinical testing. Allele origin: germline.

PreventionGenetics, part of Exact Sciences
Classification: Likely benign for MYO5B-related condition. Last evaluated: 2025-09-14. Review status: criteria provided, single submitter. Criteria: ACMG Guidelines, 2015. Collection method: clinical testing. Allele origin: germline.
Comment: This variant is classified as likely benign based on ACMG/AMP sequence variant interpretation guidelines (Richards et al. 2015 PMID: 25741868, with internal and published modifications).

NM_001080467.3(MYO5B):c.1596C>T (p.His532=)

Gene: MYO5B (myosin VB; minus strand). Cytogenetic location: 18q21.1.
Variant type: single nucleotide variant.
Coding change: c.1596C>T on transcript NM_001080467.3 (MANE Select); coding-DNA position 1596, C replaced by T.
Protein change: p.His532=; no amino-acid change (histidine 532 retained).
Molecular consequence: synonymous variant.
Genome position (GRCh38, 1-based): chr18:49,954,385, G>A on the plus strand (C>T on the coding strand, the complement: MYO5B is on the minus strand). VCF-style: chr18-49954385-G-A. GRCh37 (hg19) VCF-style: chr18-47480755-G-A.
Other names: c.1596C>T (NM_001080467.2).
Identifiers: ClinVar variation 4761304 (VCV004761304.2).